The following is an entry in ClinVar:

NM_000744.7(CHRNA4):c.1249G>A (p.Glu417Lys)

Gene: CHRNA4 (cholinergic receptor nicotinic alpha 4 subunit; minus strand). Cytogenetic location: 20q13.33.
Variant type: single nucleotide variant.
Coding change: c.1249G>A on transcript NM_000744.7 (MANE Select); coding-DNA position 1249, G replaced by A.
Protein change: p.Glu417Lys; replaces glutamic acid 417 with lysine.
Molecular consequence: missense variant. On other transcripts: non-coding transcript variant (1).
Genome position (GRCh38, 1-based): chr20:63,350,162, C>T on the plus strand (G>A on the coding strand, the complement: CHRNA4 is on the minus strand). VCF-style: chr20-63350162-C-T. GRCh37 (hg19) VCF-style: chr20-61981514-C-T.
Other names: c.721G>A, p.Glu241Lys (NM_001256573.2); short protein forms E417K, E241K.
Identifiers: ClinVar variation 588268 (VCV000588268.8), dbSNP rs369269532, ClinGen allele CA9957624.
Genomic context (GRCh38, chr20:63,350,162, plus strand): 5'-CTTCCAGGGGCTGCTGAGGAGGGAGCTGGTCGGAGGGTGACTTGCAGGAAGGCCCAGGCT[C>T]AGCCGGCACATCCAGGGGGACACAGAAGGACGGTGAGGGCGGGTGCAGGCTCTGGGTGCC-3'
Protein context (NP_000735.1, residues 407-427): SFCVPLDVPA[Glu417Lys]PGPSCKSPSD

ClinVar aggregate classification (germline): Conflicting classifications of pathogenicity. Review status: criteria provided, conflicting classifications (1 of 4 stars). 2 submissions from 2 submitters: Uncertain significance (1); Likely benign (1). Last evaluated 2023-10-28.

Conditions:
Inborn genetic diseases. Identifiers: MedGen C0950123, MeSH D030342.
Familial sleep-related hypermotor epilepsy. Also called: Autosomal Dominant Sleep-Related Hypermotor (Hyperkinetic) Epilepsy. Identifiers: Orphanet 98784, MedGen C3696898, MONDO:0000030.

Allele frequency attached by ClinVar (database versions not stated): 1000 Genomes Project 30x 0.00031; TOPMed 0.00002; 1000 Genomes Project 0.00020; gnomAD 0.00003 and 0.00001; ExAC 0.00005; gnomAD exomes below 0.00001; ESP Exome Variant Server 0.00008.
gnomAD v4.1: 7 of 1,583,424 alleles (0.00044%); highest among the groups gnomAD compares: Non-Finnish European, 0.0006%; no homozygotes.

Submissions (2):

Labcorp Genetics (formerly Invitae), Labcorp
Classification: Uncertain significance. Last evaluated: 2023-10-28. Review status: criteria provided, single submitter. Criteria: Invitae Variant Classification Sherloc (09022015). Collection method: clinical testing. Allele origin: germline.
Comment: This sequence change replaces glutamic acid, which is acidic and polar, with lysine, which is basic and polar, at codon 417 of the CHRNA4 protein (p.Glu417Lys). The frequency data for this variant in the population databases is considered unreliable, as metrics indicate poor data quality at this position in the gnomAD database. This variant has not been reported in the literature in individuals affected with CHRNA4-related conditions. ClinVar contains an entry for this variant (Variation ID: 588268). Advanced modeling of protein sequence and biophysical properties (such as structural, functional, and spatial information, amino acid conservation, physicochemical variation, residue mobility, and thermodynamic stability) performed at Invitae indicates that this missense variant is not expected to disrupt CHRNA4 protein function with a negative predictive value of 80%. In summary, the available evidence is currently insufficient to determine the role of this variant in disease. Therefore, it has been classified as a Variant of Uncertain Significance.

Ambry Genetics
Classification: Likely benign for Inborn genetic diseases. Last evaluated: 2016-09-15. Review status: criteria provided, single submitter. Criteria: Ambry Variant Classification Scheme 2023. Collection method: clinical testing. Allele origin: germline.